The following is an entry in ClinVar:

NM_001999.4(FBN2):c.2171C>T (p.Thr724Ile)

Gene: FBN2 (fibrillin 2; minus strand). Cytogenetic location: 5q23.3.
Variant type: single nucleotide variant.
Coding change: c.2171C>T on transcript NM_001999.4 (MANE Select); coding-DNA position 2171, C replaced by T.
Protein change: p.Thr724Ile; replaces threonine 724 with isoleucine.
Molecular consequence: missense variant.
Genome position (GRCh38, 1-based): chr5:128,369,259, G>A on the plus strand (C>T on the coding strand, the complement: FBN2 is on the minus strand). VCF-style: chr5-128369259-G-A. GRCh37 (hg19) VCF-style: chr5-127704952-G-A.
Other names: c.2171C>T (NM_001999.3); short protein forms T724I.
Identifiers: ClinVar variation 2048691 (VCV002048691.5), dbSNP rs1751864005, ClinGen allele CA360739078.

ClinVar aggregate classification (germline): Uncertain significance. Review status: criteria provided, multiple submitters, no conflicts (2 of 4 stars). 2 submissions from 2 submitters: Uncertain significance (2). Last evaluated 2026-04-27.

Conditions:
Congenital contractural arachnodactyly (CCA). Also called: Beals-Hecht syndrome; Arthrogryposis, distal, type 9; BEALS SYNDROME. Identifiers: Orphanet 115, MedGen C0220668, MONDO:0007363, OMIM 121050.
Familial thoracic aortic aneurysm and aortic dissection (TAAD). Also called: Thoracic aortic aneurysms and dissections. Identifiers: Orphanet 91387, MedGen C4707243, MONDO:0019625.

Allele frequency attached by ClinVar (database versions not stated): TOPMed below 0.00001.
gnomAD v4.1: 2 of 1,614,150 alleles (0.00012%); no homozygotes.

Submissions (2):

Ambry Genetics
Classification: Uncertain significance for Familial thoracic aortic aneurysm and aortic dissection. Last evaluated: 2026-04-27. Review status: criteria provided, single submitter. Criteria: Ambry Variant Classification Scheme 2023. Collection method: clinical testing. Allele origin: germline.
Comment: The p.T724I variant (also known as c.2171C>T), located in coding exon 16 of the FBN2 gene, results from a C to T substitution at nucleotide position 2171. The threonine at codon 724 is replaced by isoleucine, an amino acid with similar properties. This amino acid position is conserved. In addition, this alteration is predicted to be deleterious by in silico analysis. Based on the available evidence, the clinical significance of this variant remains unclear.

Labcorp Genetics (formerly Invitae), Labcorp
Classification: Uncertain significance for Congenital contractural arachnodactyly. Last evaluated: 2026-01-14. Review status: criteria provided, single submitter. Criteria: Invitae Variant Classification Sherloc (09022015). Collection method: clinical testing. Allele origin: germline.
Comment: This sequence change replaces threonine, which is neutral and polar, with isoleucine, which is neutral and non-polar, at codon 724 of the FBN2 protein (p.Thr724Ile). This variant is not present in population databases (gnomAD no frequency). This variant has not been reported in the literature in individuals affected with FBN2-related conditions. ClinVar contains an entry for this variant (Variation ID: 2048691). Invitae Evidence Modeling of protein sequence and biophysical properties (such as structural, functional, and spatial information, amino acid conservation, physicochemical variation, residue mobility, and thermodynamic stability) indicates that this missense variant is expected to disrupt FBN2 protein function with a positive predictive value of 80%. In summary, the available evidence is currently insufficient to determine the role of this variant in disease. Therefore, it has been classified as a Variant of Uncertain Significance.